The following is an entry in ClinVar:

ClinVar aggregate classification (germline): Uncertain significance (1 of 4 stars; one submission).

Conditions:
Tuberous sclerosis 2 (TSC2). Identifiers: Orphanet 805, MedGen C1860707, MONDO:0013199, OMIM 613254.

Submission:

Labcorp Genetics (formerly Invitae), Labcorp
Classification: Uncertain significance for Tuberous sclerosis 2. Last evaluated: 2024-12-05. Review status: criteria provided, single submitter. Criteria: Invitae Variant Classification Sherloc (09022015). Collection method: clinical testing. Allele origin: germline.
Comment: This sequence change replaces lysine, which is basic and polar, with arginine, which is basic and polar, at codon 1632 of the TSC2 protein (p.Lys1632Arg). This variant is not present in population databases (gnomAD no frequency). This variant has not been reported in the literature in individuals affected with TSC2-related conditions. Invitae Evidence Modeling of protein sequence and biophysical properties (such as structural, functional, and spatial information, amino acid conservation, physicochemical variation, residue mobility, and thermodynamic stability) indicates that this missense variant is not expected to disrupt TSC2 protein function with a negative predictive value of 95%. In summary, the available evidence is currently insufficient to determine the role of this variant in disease. Therefore, it has been classified as a Variant of Uncertain Significance.

NM_000548.5(TSC2):c.4895A>G (p.Lys1632Arg)

Gene: TSC2 (TSC complex subunit 2; plus strand). Cytogenetic location: 16p13.3.
Variant type: single nucleotide variant.
Coding change: c.4895A>G on transcript NM_000548.5 (MANE Select); coding-DNA position 4895, A replaced by G.
Protein change: p.Lys1632Arg; replaces lysine 1632 with arginine.
Molecular consequence: missense variant. On other transcripts: non-coding transcript variant (5).
Genome position (GRCh38, 1-based): chr16:2,086,777, A>G. VCF-style: chr16-2086777-A-G. GRCh37 (hg19) VCF-style: chr16-2136778-A-G.
Other names: c.4694A>G, p.Lys1565Arg (NM_001077183.3); c.4826A>G, p.Lys1609Arg (NM_001114382.3); c.4586A>G, p.Lys1529Arg (NM_001318827.2); c.4550A>G, p.Lys1517Arg (NM_001318829.2); c.4163A>G, p.Lys1388Arg (NM_001318831.2); c.4727A>G, p.Lys1576Arg (NM_001318832.2); c.4697A>G, p.Lys1566Arg (NM_001363528.2); c.4763A>G, p.Lys1588Arg (NM_001370404.1); and 26 more; short protein forms K1117R, K1140R, K1432R, K1516R, K1529R, K1561R, K1565R, K1595R.
Identifiers: ClinVar variation 3637255 (VCV003637255.2).